The following is an entry in ClinVar:

ClinVar aggregate classification (germline): Uncertain significance (1 of 4 stars; one submission).

Conditions:
Epidermolysis bullosa simplex 5B, with muscular dystrophy (EBS5B). Also called: Epidermolysis bullosa simplex with muscular dystrophy; EPIDERMOLYSIS BULLOSA SIMPLEX AND LIMB-GIRDLE MUSCULAR DYSTROPHY. Identifiers: Orphanet 257, MedGen C2931072, MONDO:0009181, OMIM 226670.
Epidermolysis bullosa simplex, Ogna type (EBS5A). Also called: Pidermolysis bullosa simplex 5A, Ogna type; EPIDERMOLYSIS BULLOSA SIMPLEX 5A, OGNA TYPE. Identifiers: Orphanet 79401, MedGen C0432317, MONDO:0007555, OMIM 131950.
Epidermolysis bullosa simplex 5C, with pyloric atresia (EBS5C). Also called: PLEC-Related Epidermolysis Bullosa with Pyloric Atresia; Epidermolysis bullosa simplex with pyloric atresia; PLEC1-Related Epidermolysis Bullosa with Pyloric Atresia. Identifiers: Orphanet 158684, MedGen C2677349, MONDO:0012807, OMIM 612138.
Autosomal recessive limb-girdle muscular dystrophy type 2Q (LGMDR17). Also called: MUSCULAR DYSTROPHY, LIMB-GIRDLE, AUTOSOMAL RECESSIVE 17. Identifiers: Orphanet 254361, MedGen C3150989, MONDO:0013390, OMIM 613723.
Epidermolysis bullosa simplex with nail dystrophy (EBS5D). Identifiers: MedGen C4225309, MONDO:0014661, OMIM 616487.

Allele frequency attached by ClinVar (database versions not stated): gnomAD exomes below 0.00001; ExAC 0.00001; gnomAD 0.00001; TOPMed 0.00002; ESP Exome Variant Server 0.00008.
gnomAD v4.1: 8 of 1,613,278 alleles (0.0005%); highest among the groups gnomAD compares: East Asian, 0.0022%; no homozygotes.

Submission:

Labcorp Genetics (formerly Invitae), Labcorp
Classification: Uncertain significance for Autosomal recessive limb-girdle muscular dystrophy type 2Q; Epidermolysis bullosa simplex, Ogna type; Epidermolysis bullosa simplex with nail dystrophy; Epidermolysis bullosa simplex 5C, with pyloric atresia; Epidermolysis bullosa simplex 5B, with muscular dystrophy. Last evaluated: 2022-04-20. Review status: criteria provided, single submitter. Criteria: Invitae Variant Classification Sherloc (09022015). Collection method: clinical testing. Allele origin: germline.
Comment: In summary, the available evidence is currently insufficient to determine the role of this variant in disease. Therefore, it has been classified as a Variant of Uncertain Significance. Algorithms developed to predict the effect of missense changes on protein structure and function (SIFT, PolyPhen-2, Align-GVGD) all suggest that this variant is likely to be disruptive. This variant has not been reported in the literature in individuals affected with PLEC-related conditions. This variant is not present in population databases (gnomAD no frequency). This sequence change replaces methionine, which is neutral and non-polar, with threonine, which is neutral and polar, at codon 2819 of the PLEC protein (p.Met2819Thr).

NM_201384.3(PLEC):c.8375T>C (p.Met2792Thr)

Gene: PLEC (plectin; minus strand). Cytogenetic location: 8q24.3.
Variant type: single nucleotide variant.
Coding change: c.8375T>C on transcript NM_201384.3 (MANE Select); coding-DNA position 8375, T replaced by C.
Protein change: p.Met2792Thr; replaces methionine 2792 with threonine.
Molecular consequence: missense variant.
Genome position (GRCh38, 1-based): chr8:143,921,446, A>G on the plus strand (T>C on the coding strand, the complement: PLEC is on the minus strand). VCF-style: chr8-143921446-A-G. GRCh37 (hg19) VCF-style: chr8-144995614-A-G.
Other names: c.8456T>C, p.Met2819Thr (NM_000445.5); c.5075T>C, p.Met1692Thr (NM_001410941.1); c.8333T>C, p.Met2778Thr (NM_201378.4); c.8309T>C, p.Met2770Thr (NM_201379.3); c.8786T>C, p.Met2929Thr (NM_201380.4); c.8279T>C, p.Met2760Thr (NM_201381.3); c.8375T>C, p.Met2792Thr (NM_201382.4); c.8387T>C, p.Met2796Thr (NM_201383.3); short protein forms M2778T, M2796T, M2819T, M2792T, M2929T, M1692T, M2760T, M2770T.
Identifiers: ClinVar variation 2165458 (VCV002165458.4), dbSNP rs377077999, ClinGen allele CA4925338.